The following is an entry in ClinVar:

ClinVar aggregate classification (germline): Uncertain significance (1 of 4 stars; one submission).

Submission:

Labcorp Genetics (formerly Invitae), Labcorp
Classification: Uncertain significance. Last evaluated: 2022-06-13. Review status: criteria provided, single submitter. Criteria: Invitae Variant Classification Sherloc (09022015). Collection method: clinical testing. Allele origin: germline.
Comment: This variant, c.1750_1758del, results in the deletion of 3 amino acid(s) of the COL11A2 protein (p.Pro584_Gly586del), but otherwise preserves the integrity of the reading frame. This variant is not present in population databases (gnomAD no frequency). This variant has not been reported in the literature in individuals affected with COL11A2-related conditions. Experimental studies and prediction algorithms are not available or were not evaluated, and the functional significance of this variant is currently unknown. Algorithms developed to predict the effect of sequence changes on RNA splicing suggest that this variant may disrupt the consensus splice site. In summary, the available evidence is currently insufficient to determine the role of this variant in disease. Therefore, it has been classified as a Variant of Uncertain Significance.

NM_080680.3(COL11A2):c.1750_1758del (p.Pro584_Gly586del)

Gene: COL11A2 (collagen type XI alpha 2 chain; minus strand). Cytogenetic location: 6p21.32.
Variant type: Deletion.
Coding change: c.1750_1758del on transcript NM_080680.3 (MANE Select); coding-DNA positions 1750 to 1758, 9 bases deleted (CCCCCTGGT; older notation c.1750_1758delCCCCCTGGT).
Protein change: p.Pro584_Gly586del.
Molecular consequence: inframe deletion.
Genome position (GRCh38, 1-based): chr6:33,178,450-33,178,458, ACCAGGGGG deleted on the plus strand (CCCCCTGGT on the coding strand, the reverse complement: COL11A2 is on the minus strand); deleting any 9 consecutive bases within chr6:33,178,450-33,178,464 gives the same sequence; the c. name uses the placement nearest the transcript's 3' end. VCF-style (leftmost placement, unchanged base first): chr6-33178449-CACCAGGGGG-C. GRCh37 (hg19) VCF-style: chr6-33146226-CACCAGGGGG-C.
Other names: c.1429_1437del, p.Pro477_Gly479del (NM_080679.3); c.1492_1500del, p.Pro498_Gly500del (NM_080681.3).
Identifiers: ClinVar variation 1386258 (VCV001386258.8), dbSNP rs2150576462, ClinGen allele CA2573140191.
Genomic context (GRCh38, chr6:33,178,449, plus strand): 5'-CTAGACCTCCCCTGCACCCAGCCCCTACATTTGCCACTACACTTACCCTCTCTCCATCCT[CACCAGGGGG>C]ACCAGGAAGGCCCTGGGCACCAGTATCACCCTGCAAAATGGGGGAACTCATAAGAGGGGC-3'